The following is an entry in ClinVar:

ClinVar aggregate classification (germline): Uncertain significance (1 of 4 stars; one submission).

Conditions:
Hereditary cancer-predisposing syndrome. Also called: Hereditary Cancer Syndrome; Hereditary neoplastic syndrome; Neoplastic Syndromes, Hereditary; Tumor predisposition. Identifiers: Orphanet 140162, MedGen C0027672, MeSH D009386, MONDO:0015356.

Submission:

Ambry Genetics
Classification: Uncertain significance for Hereditary cancer-predisposing syndrome. Last evaluated: 2026-07-29. Review status: criteria provided, single submitter. Criteria: Ambry Variant Classification Scheme 2023. Collection method: clinical testing. Allele origin: germline.
Comment: The p.P1367A variant (also known as c.4099C>G), located in coding exon 23 of the PTCH1 gene, results from a C to G substitution at nucleotide position 4099. The proline at codon 1367 is replaced by alanine, an amino acid with highly similar properties. This amino acid position is conserved. In addition, this alteration is predicted to be deleterious by in silico analysis. Based on the available evidence, the clinical significance of this variant remains unclear.

NM_000264.5(PTCH1):c.4099C>G (p.Pro1367Ala)

Gene: PTCH1 (patched 1; minus strand). Cytogenetic location: 9q22.32.
Variant type: single nucleotide variant.
Coding change: c.4099C>G on transcript NM_000264.5 (MANE Select); coding-DNA position 4099, C replaced by G.
Protein change: p.Pro1367Ala; replaces proline 1367 with alanine.
Molecular consequence: missense variant. On other transcripts: non-coding transcript variant (1).
Genome position (GRCh38, 1-based): chr9:95,447,157, G>C on the plus strand (C>G on the coding strand, the complement: PTCH1 is on the minus strand). VCF-style: chr9-95447157-G-C. GRCh37 (hg19) VCF-style: chr9-98209439-G-C.
Other names: c.3901C>G, p.Pro1301Ala (NM_001083602.3); c.4096C>G, p.Pro1366Ala (NM_001083603.3); c.3646C>G, p.Pro1216Ala (NM_001083604.3, NM_001083605.3, NM_001083606.3 and 1 more transcripts); c.3943C>G, p.Pro1315Ala (NM_001354918.2); short protein forms P1315A, P1301A, P1216A, P1366A, P1367A.
Identifiers: ClinVar variation 3939953 (VCV003939953.2).
Genomic context (GRCh38, chr9:95,447,157, plus strand): 5'-GGACAGGCGGCGGGTGCACGGCGACAGTCACGGAGGCAGAAGCCGTCACAGTGGTGATGG[G>C]CTGGCAGTAGCCGGGCACGGAGCTGCCCATGGCAGTGGACGCTGGGTTCCGAGGGTTGTG-3'
Protein context (NP_000255.2, residues 1357-1377): MGSSVPGYCQ[Pro1367Ala]ITTVTASASV